The following is an entry in ClinVar:

NM_002890.3(RASA1):c.1390C>T (p.Arg464Cys)

Genes: CCNH (cyclin H; minus strand), RASA1 (RAS p21 protein activator 1; plus strand). Cytogenetic location: 5q14.3.
Variant type: single nucleotide variant.
Coding change: c.1390C>T on transcript NM_002890.3 (MANE Select); coding-DNA position 1390, C replaced by T.
Protein change: p.Arg464Cys; replaces arginine 464 with cysteine.
Molecular consequence: missense variant. On other transcripts: intron variant (1).
Genome position (GRCh38, 1-based): chr5:87,362,608, C>T. VCF-style: chr5-87362608-C-T. GRCh37 (hg19) VCF-style: chr5-86658425-C-T.
Other names: c.859C>T, p.Arg287Cys (NM_022650.3); c.933+32436G>A (NM_001364075.2); short protein forms R287C, R464C.
Identifiers: ClinVar variation 1035381 (VCV001035381.48), dbSNP rs1760197131, ClinGen allele CA360367702.
Genomic context (GRCh38, chr5:87,362,608, plus strand): 5'-CAGGATCAAGAACAAGTACTCAATGACACAGTGGATGGCAAGGAAATCTATAATACCATC[C>T]GTCGTAAAACAAAGGATGCCTTTTATAAAAACATTGTTAAGAAAGGTTATCTTCTGAAAA-3'
Protein context (NP_002881.1, residues 454-474): VDGKEIYNTI[Arg464Cys]RKTKDAFYKN

ClinVar aggregate classification (germline): Uncertain significance. Review status: criteria provided, multiple submitters, no conflicts (2 of 4 stars). 2 submissions from 2 submitters: Uncertain significance (2). Last evaluated 2026-06-24.

Conditions:
Capillary malformation-arteriovenous malformation syndrome. Also called: Capillary malformation-arteriovenous malformation. Identifiers: Orphanet 137667, MedGen C1842180, MONDO:0012016.
Cardiovascular phenotype. Identifiers: MedGen CN230736.

gnomAD v4.1: 1 of 1,596,156 alleles (0.000063%); highest among the groups gnomAD compares: Non-Finnish European, 0.000086%; no homozygotes.

Submissions (2):

Ambry Genetics
Classification: Uncertain significance for Cardiovascular phenotype. Last evaluated: 2026-06-24. Review status: criteria provided, single submitter. Criteria: Ambry Variant Classification Scheme 2023. Collection method: clinical testing. Allele origin: germline.

Labcorp Genetics (formerly Invitae), Labcorp
Classification: Uncertain significance for Capillary malformation-arteriovenous malformation syndrome. Last evaluated: 2020-03-17. Review status: criteria provided, single submitter. Criteria: Invitae Variant Classification Sherloc (09022015). Collection method: clinical testing. Allele origin: germline.
Comment: This sequence change replaces arginine with cysteine at codon 464 of the RASA1 protein (p.Arg464Cys). The arginine residue is moderately conserved and there is a large physicochemical difference between arginine and cysteine. This variant is not present in population databases (ExAC no frequency). This variant has not been reported in the literature in individuals with RASA1-related conditions. Algorithms developed to predict the effect of missense changes on protein structure and function are either unavailable or do not agree on the potential impact of this missense change (SIFT: "Deleterious"; PolyPhen-2: "Possibly Damaging"; Align-GVGD: "Class C0"). In summary, the available evidence is currently insufficient to determine the role of this variant in disease. Therefore, it has been classified as a Variant of Uncertain Significance.